The following is an entry in ClinVar:

NM_001330260.2(SCN8A):c.4876C>G (p.Arg1626Gly)

Gene: SCN8A (sodium voltage-gated channel alpha subunit 8; plus strand). Cytogenetic location: 12q13.13.
Variant type: single nucleotide variant.
Coding change: c.4876C>G on transcript NM_001330260.2 (MANE Select); coding-DNA position 4876, C replaced by G.
Protein change: p.Arg1626Gly; replaces arginine 1626 with glycine.
Molecular consequence: missense variant.
Genome position (GRCh38, 1-based): chr12:51,806,362, C>G. VCF-style: chr12-51806362-C-G. GRCh37 (hg19) VCF-style: chr12-52200146-C-G.
Other names: c.4753C>G, p.Arg1585Gly (NM_001177984.3, NM_001369788.1); c.4876C>G, p.Arg1626Gly (NM_014191.4); short protein forms R1585G, R1626G.
Identifiers: ClinVar variation 4864180 (VCV004864180.1).

ClinVar aggregate classification (germline): Likely pathogenic (1 of 4 stars; one submission).

Conditions:
Inborn genetic diseases. Identifiers: MedGen C0950123, MeSH D030342.

Submission:

Ambry Genetics
Classification: Likely pathogenic for Inborn genetic diseases. Last evaluated: 2026-05-08. Review status: criteria provided, single submitter. Criteria: Ambry Variant Classification Scheme 2023. Collection method: clinical testing. Allele origin: germline.
Comment: The c.4876C>G (p.R1626G) alteration is located in exon 27 (coding exon 26) of the SCN8A gene. This alteration results from a C to G substitution at nucleotide position 4876, causing the arginine (R) at amino acid position 1626 to be replaced by a glycine (G). This variant was not reported in population-based cohorts in the Genome Aggregation Database (gnomAD). Another variant at the same codon, c.4877G>A (p.R1626H), has been identified in an individual with features consistent with SCN8A-related disorders (Scheffer 2023). This amino acid position is highly conserved in available vertebrate species. This missense variant is located in a region that has a low rate of benign missense variation (Lek, 2016; Firth, 2009). This alteration is predicted to be deleterious by in silico analysis. Based on the available evidence, this alteration is classified as likely pathogenic.

Literature cited by the submitters: PubMed 35701389.